The following is an entry in ClinVar:

ClinVar aggregate classification (germline): Likely benign. Review status: criteria provided, multiple submitters, no conflicts (2 of 4 stars). 3 submissions from 3 submitters: Likely benign (3). Last evaluated 2025-06-01.

gnomAD v4.1: 645 of 1,613,318 alleles (0.04%); highest among the groups gnomAD compares: African/African-American, 0.72%; 3 homozygotes.

Submissions (3):

CeGaT Center for Human Genetics Tuebingen
Classification: Likely benign. Last evaluated: 2025-06-01. Review status: criteria provided, single submitter. Criteria: CeGaT Center For Human Genetics Tuebingen Variant Classification Criteria Version 2. Collection method: clinical testing. Allele origin: germline. Affected: yes. Observed: 1 variant allele.
Comment: FYB1: BP4, BP7

Mayo Clinic Laboratories, Mayo Clinic
Classification: Likely benign. Last evaluated: 2025-05-21. Review status: criteria provided, single submitter. Criteria: ACMG Guidelines, 2015. Collection method: clinical testing. Allele origin: germline. Observed: 2 variant alleles.
Comment: BS1_moderate, BP4, BP7

Blueprint Genetics
Classification: Likely benign. Last evaluated: 2024-07-19. Review status: criteria provided, single submitter. Criteria: ACMG Guidelines, 2015. Collection method: clinical testing. Allele origin: germline.

NM_001465.6(FYB1):c.654T>C (p.Asn218=)

Gene: FYB1 (FYN binding protein 1; minus strand). Cytogenetic location: 5p13.1.
Variant type: single nucleotide variant.
Coding change: c.654T>C on transcript NM_001465.6 (MANE Select); coding-DNA position 654, T replaced by C.
Protein change: p.Asn218=; no amino-acid change (asparagine 218 retained).
Molecular consequence: synonymous variant.
Genome position (GRCh38, 1-based): chr5:39,202,307, A>G on the plus strand (T>C on the coding strand, the complement: FYB1 is on the minus strand). VCF-style: chr5-39202307-A-G. GRCh37 (hg19) VCF-style: chr5-39202409-A-G.
Other names: p.Asn218=; c.684T>C, p.Asn228= (NM_001243093.2, NM_018594.2); c.654T>C, p.Asn218= (NM_001349333.2, NM_199335.5).
Identifiers: ClinVar variation 4084153 (VCV004084153.10).